The following is an entry in ClinVar:

NM_024675.4(PALB2):c.2784G>T (p.Val928=)

Gene: PALB2 (partner and localizer of BRCA2; minus strand). Cytogenetic location: 16p12.2.
Variant type: single nucleotide variant.
Coding change: c.2784G>T on transcript NM_024675.4 (MANE Select); coding-DNA position 2784, G replaced by T.
Protein change: p.Val928=; no amino-acid change (valine 928 retained).
Molecular consequence: synonymous variant.
Genome position (GRCh38, 1-based): chr16:23,624,059, C>A on the plus strand (G>T on the coding strand, the complement: PALB2 is on the minus strand). VCF-style: chr16-23624059-C-A. GRCh37 (hg19) VCF-style: chr16-23635380-C-A.
Identifiers: ClinVar variation 1212569 (VCV001212569.4), dbSNP rs763411245, ClinGen allele CA494181206.

ClinVar aggregate classification (germline): Benign/Likely benign. Review status: criteria provided, multiple submitters, no conflicts (2 of 4 stars). 2 submissions from 2 submitters: Benign (1); Likely benign (1). Last evaluated 2025-01-17.

Conditions:
Familial cancer of breast. Also called: BREAST CANCER, FAMILIAL; Hereditary breast cancer; hereditary breast carcinoma. Identifiers: Orphanet 227535, MedGen C0346153, MONDO:0016419, OMIM 114480. Disease mechanism: loss of function.

Submissions (2):

Myriad Genetics, Inc.
Classification: Benign for Familial cancer of breast. Last evaluated: 2025-01-17. Review status: criteria provided, single submitter. Criteria: Myriad Autosomal Dominant, Autosomal Recessive and X-Linked Classification Criteria (2023). Collection method: clinical testing. Allele origin: unknown.
Comment: This variant is considered benign. This variant is a silent/synonymous amino acid change and it is not expected to impact splicing.

GeneDx
Classification: Likely benign. Last evaluated: 2018-08-24. Review status: criteria provided, single submitter. Criteria: GeneDx Variant Classification Process June 2021. Collection method: clinical testing. Allele origin: germline. Affected: yes.